The following is an entry in ClinVar:

NM_001164508.2(NEB):c.8159A>C (p.His2720Pro)

Gene: NEB (nebulin; minus strand). Cytogenetic location: 2q23.3.
Variant type: single nucleotide variant.
Coding change: c.8159A>C on transcript NM_001164508.2 (MANE Select); coding-DNA position 8159, A replaced by C.
Protein change: p.His2720Pro; replaces histidine 2720 with proline.
Molecular consequence: missense variant.
Genome position (GRCh38, 1-based): chr2:151,643,151, T>G on the plus strand (A>C on the coding strand, the complement: NEB is on the minus strand). VCF-style: chr2-151643151-T-G. GRCh37 (hg19) VCF-style: chr2-152499665-T-G.
Other names: c.8159A>C, p.His2720Pro (NM_001164507.2, NM_001271208.2, NM_004543.5); short protein forms H2720P.
Identifiers: ClinVar variation 2065404 (VCV002065404.1), dbSNP rs543770578, ClinGen allele CA348813135.
Genomic context (GRCh38, chr2:151,643,151, plus strand): 5'-TTCAGTGTTTCCATAAACAAAAAAAATTAATAACCTCCTCAAACAAACATAGGACTTACA[T>G]GATTCATGGTAATAGCATTGTTTTTTGCCAAAACCATTGGTATGGAATCCATAAGGCTGG-3'
Protein context (NP_001157980.2, residues 2710-2730): LAKNNAITMN[His2720Pro]RLYTEAWDKD

ClinVar aggregate classification (germline): Uncertain significance (1 of 4 stars; one submission).

Conditions:
Nemaline myopathy 2 (NEM2). Also called: Nemaline myopathy 2, autosomal recessive. Identifiers: MedGen C1850569, MONDO:0009725, OMIM 256030.

Allele frequency attached by ClinVar (database versions not stated): gnomAD exomes below 0.00001.
gnomAD v4.1: 1 of 1,609,968 alleles (0.000062%); highest among the groups gnomAD compares: Non-Finnish European, 0.000085%; no homozygotes.

Submission:

Labcorp Genetics (formerly Invitae), Labcorp
Classification: Uncertain significance for Nemaline myopathy 2. Last evaluated: 2021-05-25. Review status: criteria provided, single submitter. Criteria: Invitae Variant Classification Sherloc (09022015). Collection method: clinical testing. Allele origin: germline.
Comment: This sequence change replaces histidine with proline at codon 2720 of the NEB protein (p.His2720Pro). The histidine residue is moderately conserved and there is a moderate physicochemical difference between histidine and proline. This variant is not present in population databases (ExAC no frequency). This variant has not been reported in the literature in individuals with NEB-related conditions. Algorithms developed to predict the effect of missense changes on protein structure and function are either unavailable or do not agree on the potential impact of this missense change (SIFT: "Deleterious"; PolyPhen-2: "Not Available"; Align-GVGD: "Class C0"). In summary, the available evidence is currently insufficient to determine the role of this variant in disease. Therefore, it has been classified as a Variant of Uncertain Significance.